The following is an entry in ClinVar:

NM_002472.3(MYH8):c.4878T>C (p.Asn1626=)

Genes: MYH8 (myosin heavy chain 8; minus strand), MYHAS (myosin heavy chain gene cluster antisense RNA; plus strand). Cytogenetic location: 17p13.1.
Variant type: single nucleotide variant.
Coding change: c.4878T>C on transcript NM_002472.3 (MANE Select); coding-DNA position 4878, T replaced by C.
Protein change: p.Asn1626=; no amino-acid change (asparagine 1626 retained).
Molecular consequence: synonymous variant.
Genome position (GRCh38, 1-based): chr17:10,395,217, A>G on the plus strand (T>C on the coding strand, the complement: MYH8 is on the minus strand). VCF-style: chr17-10395217-A-G. GRCh37 (hg19) VCF-style: chr17-10298534-A-G.
Identifiers: ClinVar variation 887367 (VCV000887367.8), dbSNP rs202123184, ClinGen allele CA8387190.
Genomic context (GRCh38, chr17:10,395,217, plus strand): 5'-GTAGTTCCTTAAACTCTCTGCAGCTAAGCGATTGGCATGGTTCAGCTGGATTTCCATTTC[A>G]TTCAGATCTCCTTCCATTTTCTTCTTGACTCTCAGAGCATCATTTCTGCTTCTAATCTCT-3'
Protein context (NP_002463.2, residues 1616-1636): RVKKKMEGDL[Asn1626=]EMEIQLNHAN

ClinVar aggregate classification (germline): Conflicting classifications of pathogenicity. Review status: criteria provided, conflicting classifications (1 of 4 stars). 4 submissions from 4 submitters: Uncertain significance (2); Likely benign (1). 1 of the submissions does not count toward it. Last evaluated 2024-11-22.

Conditions:
MYH8-related disorder. Also called: MYH8-related condition.
Hecht syndrome (DA7). Also called: MOUTH, INABILITY TO OPEN COMPLETELY, AND SHORT FINGER-FLEXOR TENDONS; Dutch-Kentucky syndrome. Identifiers: Orphanet 3377, MedGen C0265226, MONDO:0008016, OMIM 158300. Disease mechanism: gain of function.

Allele frequency attached by ClinVar (database versions not stated): ESP Exome Variant Server 0.00008; TOPMed 0.00011; ExAC 0.00055; gnomAD exomes 0.00055; 1000 Genomes Project 0.00180; 1000 Genomes Project 30x 0.00187.
gnomAD v4.1: 421 of 1,614,136 alleles (0.026%); highest among the groups gnomAD compares: South Asian, 0.3%; 5 homozygotes.

Submissions (4):

Blueprint Genetics
Classification: Likely benign. Last evaluated: 2024-11-22. Review status: criteria provided, single submitter. Criteria: ACMG Guidelines, 2015. Collection method: clinical testing. Allele origin: germline.

Illumina Laboratory Services, Illumina
Classification: Uncertain significance for Hecht syndrome. Last evaluated: 2018-01-15. Review status: criteria provided, single submitter. Criteria: ICSL Variant Classification Criteria 13 December 2019. Collection method: clinical testing. Allele origin: germline.

Breakthrough Genomics
Classification: Uncertain significance. Review status: criteria provided, single submitter. Criteria: ACMG Guidelines, 2015. Collection method: not provided. Allele origin: germline. Inheritance: Autosomal dominant inheritance. Affected: yes.

PreventionGenetics, part of Exact Sciences
Classification: Likely benign for MYH8-related condition. Last evaluated: 2020-03-16. Review status: no assertion criteria provided. Collection method: clinical testing. Allele origin: germline. Not counted in ClinVar's aggregate classification.
Comment: This variant is classified as likely benign based on ACMG/AMP sequence variant interpretation guidelines (Richards et al. 2015 PMID: 25741868, with internal and published modifications).